The following is an entry in ClinVar:

ClinVar aggregate classification (germline): Uncertain significance (1 of 4 stars; one submission).

Conditions:
Schuurs-Hoeijmakers syndrome. Also called: PACS1-Related Neurodevelopmental Disorder. Identifiers: Orphanet 329224, MedGen C3554343, MONDO:0014006, OMIM 615009.

Allele frequency attached by ClinVar (database versions not stated): gnomAD exomes below 0.00001.
gnomAD v4.1: 1 of 1,614,194 alleles (0.000062%); highest among the groups gnomAD compares: South Asian, 0.0011%; no homozygotes.

Submission:

Labcorp Genetics (formerly Invitae), Labcorp
Classification: Uncertain significance for Schuurs-Hoeijmakers syndrome. Last evaluated: 2022-10-08. Review status: criteria provided, single submitter. Criteria: Invitae Variant Classification Sherloc (09022015). Collection method: clinical testing. Allele origin: germline.
Comment: In summary, the available evidence is currently insufficient to determine the role of this variant in disease. Therefore, it has been classified as a Variant of Uncertain Significance. Advanced modeling of protein sequence and biophysical properties (such as structural, functional, and spatial information, amino acid conservation, physicochemical variation, residue mobility, and thermodynamic stability) performed at Invitae indicates that this missense variant is not expected to disrupt PACS1 protein function. This variant has not been reported in the literature in individuals affected with PACS1-related conditions. This variant is not present in population databases (gnomAD no frequency). This sequence change replaces serine, which is neutral and polar, with asparagine, which is neutral and polar, at codon 864 of the PACS1 protein (p.Ser864Asn).

NM_018026.4(PACS1):c.2591G>A (p.Ser864Asn)

Gene: PACS1 (phosphofurin acidic cluster sorting protein 1; plus strand). Cytogenetic location: 11q13.2.
Variant type: single nucleotide variant.
Coding change: c.2591G>A on transcript NM_018026.4 (MANE Select); coding-DNA position 2591, G replaced by A.
Protein change: p.Ser864Asn; replaces serine 864 with asparagine.
Molecular consequence: missense variant.
Genome position (GRCh38, 1-based): chr11:66,241,588, G>A. VCF-style: chr11-66241588-G-A. GRCh37 (hg19) VCF-style: chr11-66009059-G-A.
Other names: short protein forms S864N.
Identifiers: ClinVar variation 1721266 (VCV001721266.6), dbSNP rs2495608114, ClinGen allele CA381382956.